The following is an entry in ClinVar:

NM_001244008.2(KIF1A):c.5369G>C (p.Arg1790Pro)

Gene: KIF1A (kinesin family member 1A; minus strand). Cytogenetic location: 2q37.3.
Variant type: single nucleotide variant.
Coding change: c.5369G>C on transcript NM_001244008.2 (MANE Select); coding-DNA position 5369, G replaced by C.
Protein change: p.Arg1790Pro; replaces arginine 1790 with proline.
Molecular consequence: missense variant.
Genome position (GRCh38, 1-based): chr2:240,717,371, C>G on the plus strand (G>C on the coding strand, the complement: KIF1A is on the minus strand). VCF-style: chr2-240717371-C-G. GRCh37 (hg19) VCF-style: chr2-241656788-C-G.
Other names: c.5093G>C, p.Arg1698Pro (NM_001320705.2, NM_001379649.1); c.5120G>C, p.Arg1707Pro (NM_001330289.2); c.5168G>C, p.Arg1723Pro (NM_001330290.2, NM_001379648.1); c.5444G>C, p.Arg1815Pro (NM_001379631.1); c.5345G>C, p.Arg1782Pro (NM_001379632.1); c.5342G>C, p.Arg1781Pro (NM_001379633.1, NM_001379645.1); c.5195G>C, p.Arg1732Pro (NM_001379634.1); c.5192G>C, p.Arg1731Pro (NM_001379635.1, NM_001379646.1); and 8 more; short protein forms R1677P, R1698P, R1706P, R1731P, R1782P, R1689P, R1697P, R1714P.
Identifiers: ClinVar variation 2937493 (VCV002937493.3), dbSNP rs1349426679, ClinGen allele CA351297191.

ClinVar aggregate classification (germline): Uncertain significance (1 of 4 stars; one submission).

Conditions:
Neuropathy, hereditary sensory, type 2C. Also called: KIF1A-Related HSAN2 (HSAN2C); Hereditary sensory and autonomic neuropathy type IIC. Identifiers: Orphanet 970, MedGen C3280168, MONDO:0013634, OMIM 614213.
Hereditary spastic paraplegia 30. Identifiers: Orphanet 101010, MedGen C5235139, MONDO:0012476.
Intellectual disability, autosomal dominant 9 (NESCAVS). Also called: NESCAV SYNDROME; KIF1A-Related Neurodevelopmental Disorder. Identifiers: Orphanet 662367, MedGen C5393830, MONDO:0013656, OMIM 614255.

Submission:

Labcorp Genetics (formerly Invitae), Labcorp
Classification: Uncertain significance for Hereditary spastic paraplegia 30; Neuropathy, hereditary sensory, type 2C; Intellectual disability, autosomal dominant 9. Last evaluated: 2024-01-09. Review status: criteria provided, single submitter. Criteria: Invitae Variant Classification Sherloc (09022015). Collection method: clinical testing. Allele origin: germline.
Comment: This sequence change replaces arginine, which is basic and polar, with proline, which is neutral and non-polar, at codon 1689 of the KIF1A protein (p.Arg1689Pro). This variant is not present in population databases (gnomAD no frequency). This variant has not been reported in the literature in individuals affected with KIF1A-related conditions. Advanced modeling of protein sequence and biophysical properties (such as structural, functional, and spatial information, amino acid conservation, physicochemical variation, residue mobility, and thermodynamic stability) performed at Invitae indicates that this missense variant is not expected to disrupt KIF1A protein function with a negative predictive value of 95%. In summary, the available evidence is currently insufficient to determine the role of this variant in disease. Therefore, it has been classified as a Variant of Uncertain Significance.